The following is an entry in ClinVar:

ClinVar aggregate classification (germline): Likely benign (1 of 4 stars; one submission).

Allele frequency attached by ClinVar (database versions not stated): 1000 Genomes Project 30x 0.00172; 1000 Genomes Project 0.00220; TOPMed 0.00326; ESP Exome Variant Server 0.00385; gnomAD exomes 0.00513; ExAC 0.00622.
gnomAD v4.1: 8,257 of 1,613,876 alleles (0.51%); highest among the groups gnomAD compares: Middle Eastern, 0.97%; 41 homozygotes.

Submission:

CeGaT Center for Human Genetics Tuebingen
Classification: Likely benign. Last evaluated: 2023-03-01. Review status: criteria provided, single submitter. Criteria: CeGaT Center For Human Genetics Tuebingen Variant Classification Criteria Version 2. Collection method: clinical testing. Allele origin: germline. Affected: yes. Observed: 1 variant allele.
Comment: PTPRB: BP4, BS2

NM_001109754.4(PTPRB):c.4648G>A (p.Val1550Ile)

Genes: PTPRB (protein tyrosine phosphatase receptor type B; minus strand), PTPRB-AS1 (PTPRB antisense RNA 1; plus strand). Cytogenetic location: 12q15.
Variant type: single nucleotide variant.
Coding change: c.4648G>A on transcript NM_001109754.4 (MANE Select); coding-DNA position 4648, G replaced by A.
Protein change: p.Val1550Ile; replaces valine 1550 with isoleucine.
Molecular consequence: missense variant.
Genome position (GRCh38, 1-based): chr12:70,559,409, C>T on the plus strand (G>A on the coding strand, the complement: PTPRB is on the minus strand). VCF-style: chr12-70559409-C-T. GRCh37 (hg19) VCF-style: chr12-70953189-C-T.
Other names: c.3724G>A, p.Val1242Ile (NM_001206971.3, NM_001206972.3); c.4384G>A, p.Val1462Ile (NM_001330204.2); c.3994G>A, p.Val1332Ile (NM_002837.6); short protein forms V1242I, V1332I, V1462I, V1550I.
Identifiers: ClinVar variation 2643176 (VCV002643176.24), dbSNP rs111874833, ClinGen allele CA6683705.
Genomic context (GRCh38, chr12:70,559,409, plus strand): 5'-TCACAGATCCAAAAATTGGTTTGCTGTAAGTTTTCCAGGAATCACCACTGACAGTCTTGA[C>T]GTTGAATTGATAGGATCTCCCTGGACGAAGACCATACACAATGCGTCCTTCTGATTTTCT-3'
Protein context (NP_001103224.1, residues 1540-1560): LRPGRSYQFN[Val1550Ile]KTVSGDSWKT